The following is an entry in ClinVar:

ClinVar aggregate classification (germline): Uncertain significance. Review status: criteria provided, multiple submitters, no conflicts (2 of 4 stars). 3 submissions from 3 submitters: Uncertain significance (3). Last evaluated 2025-06-13.

Conditions:
Endometrial carcinoma. Also called: Endometrial carcinoma, somatic. Identifiers: MedGen C0476089, MONDO:0002447, OMIM 608089, HP:0012114.
Hereditary cancer-predisposing syndrome. Also called: Neoplastic Syndromes, Hereditary; Tumor predisposition; Hereditary neoplastic syndrome; Hereditary Cancer Syndrome. Identifiers: Orphanet 140162, MedGen C0027672, MeSH D009386, MONDO:0015356.

Submissions (3):

Ambry Genetics
Classification: Uncertain significance for Hereditary cancer-predisposing syndrome. Last evaluated: 2025-06-13. Review status: criteria provided, single submitter. Criteria: Ambry Variant Classification Scheme 2023. Collection method: clinical testing. Allele origin: germline.
Comment: The p.L76V variant (also known as c.226C>G), located in coding exon 1 of the MSH6 gene, results from a C to G substitution at nucleotide position 226. The leucine at codon 76 is replaced by valine, an amino acid with highly similar properties. This amino acid position is conserved. In addition, this alteration is predicted to be tolerated by in silico analysis. Based on the available evidence, the clinical significance of this variant remains unclear.

Color Diagnostics, LLC DBA Color Health
Classification: Uncertain significance for Hereditary cancer-predisposing syndrome. Last evaluated: 2023-12-04. Review status: criteria provided, single submitter. Criteria: ACMG Guidelines, 2015. Collection method: clinical testing. Allele origin: germline.
Comment: This missense variant replaces leucine with valine at codon 76 of the MSH6 protein. Computational prediction suggests that this variant may not impact protein structure and function (internally defined REVEL score threshold <= 0.5, PMID: 27666373). To our knowledge, functional studies have not been reported for this variant. This variant has not been reported in individuals affected with MSH6-related disorders in the literature. This variant has not been identified in the general population by the Genome Aggregation Database (gnomAD). The available evidence is insufficient to determine the role of this variant in disease conclusively. Therefore, this variant is classified as a Variant of Uncertain Significance.

Baylor Genetics
Classification: Uncertain significance for Endometrial carcinoma. Last evaluated: 2023-08-17. Review status: criteria provided, single submitter. Criteria: ACMG Guidelines, 2015. Collection method: clinical testing. Allele origin: unknown.

NM_000179.3(MSH6):c.226C>G (p.Leu76Val)

Gene: MSH6 (mutS homolog 6; plus strand). Cytogenetic location: 2p16.3.
Variant type: single nucleotide variant.
Coding change: c.226C>G on transcript NM_000179.3 (MANE Select); coding-DNA position 226, C replaced by G.
Protein change: p.Leu76Val; replaces leucine 76 with valine.
Molecular consequence: missense variant. On other transcripts: 5 prime UTR variant (1).
Genome position (GRCh38, 1-based): chr2:47,783,459, C>G. VCF-style: chr2-47783459-C-G. GRCh37 (hg19) VCF-style: chr2-48010598-C-G.
Other names: c.226C>G, p.Leu76Val (NM_001281492.2); c.-511C>G (NM_001281493.2); short protein forms L76V.
Identifiers: ClinVar variation 628953 (VCV000628953.7), dbSNP rs1553408398, ClinGen allele CA346735094.